The following is an entry in ClinVar:

NM_001371928.1(AHDC1):c.4627C>G (p.Leu1543Val)

Gene: AHDC1 (AT-hook DNA binding motif containing 1; minus strand). Cytogenetic location: 1p36.11.
Variant type: single nucleotide variant.
Coding change: c.4627C>G on transcript NM_001371928.1 (MANE Select); coding-DNA position 4627, C replaced by G.
Protein change: p.Leu1543Val; replaces leucine 1543 with valine.
Molecular consequence: missense variant.
Genome position (GRCh38, 1-based): chr1:27,547,489, G>C on the plus strand (C>G on the coding strand, the complement: AHDC1 is on the minus strand). VCF-style: chr1-27547489-G-C. GRCh37 (hg19) VCF-style: chr1-27874000-G-C.
Other names: c.4627C>G, p.Leu1543Val (NM_001029882.3); short protein forms L1543V.
Identifiers: ClinVar variation 4711422 (VCV004711422.1).

ClinVar aggregate classification (germline): Uncertain significance (1 of 4 stars; one submission).

Submission:

Labcorp Genetics (formerly Invitae), Labcorp
Classification: Uncertain significance. Last evaluated: 2025-12-22. Review status: criteria provided, single submitter. Criteria: Invitae Variant Classification Sherloc (09022015). Collection method: clinical testing. Allele origin: germline.
Comment: This sequence change replaces leucine, which is neutral and non-polar, with valine, which is neutral and non-polar, at codon 1543 of the AHDC1 protein (p.Leu1543Val). This variant is not present in population databases (gnomAD no frequency). This variant has not been reported in the literature in individuals affected with AHDC1-related conditions. An algorithm developed to predict the effect of missense changes on protein structure and function (PolyPhen-2) suggests that this variant is likely to be disruptive. In summary, the available evidence is currently insufficient to determine the role of this variant in disease. Therefore, it has been classified as a Variant of Uncertain Significance.